The following is an entry in ClinVar:

NM_173630.4(RTTN):c.4513G>C (p.Asp1505His)

Gene: RTTN (rotatin; minus strand). Cytogenetic location: 18q22.2.
Variant type: single nucleotide variant.
Coding change: c.4513G>C on transcript NM_173630.4 (MANE Select); coding-DNA position 4513, G replaced by C.
Protein change: p.Asp1505His; replaces aspartic acid 1505 with histidine.
Molecular consequence: missense variant.
Genome position (GRCh38, 1-based): chr18:70,075,403, C>G on the plus strand (G>C on the coding strand, the complement: RTTN is on the minus strand). VCF-style: chr18-70075403-C-G. GRCh37 (hg19) VCF-style: chr18-67742639-C-G.
Other names: c.1777G>C, p.Asp593His (NM_001318520.2); short protein forms D1505H, D593H.
Identifiers: ClinVar variation 1907625 (VCV001907625.2), dbSNP rs2512147841, ClinGen allele CA402680864.

ClinVar aggregate classification (germline): Uncertain significance (1 of 4 stars; one submission).

Submission:

Labcorp Genetics (formerly Invitae), Labcorp
Classification: Uncertain significance. Last evaluated: 2022-01-22. Review status: criteria provided, single submitter. Criteria: Invitae Variant Classification Sherloc (09022015). Collection method: clinical testing. Allele origin: germline.
Comment: This sequence change replaces aspartic acid, which is acidic and polar, with histidine, which is basic and polar, at codon 1505 of the RTTN protein (p.Asp1505His). This variant is not present in population databases (gnomAD no frequency). This variant has not been reported in the literature in individuals affected with RTTN-related conditions. Algorithms developed to predict the effect of missense changes on protein structure and function output the following: SIFT: "Deleterious"; PolyPhen-2: "Probably Damaging"; Align-GVGD: "Class C0". The histidine amino acid residue is found in multiple mammalian species, which suggests that this missense change does not adversely affect protein function. In summary, the available evidence is currently insufficient to determine the role of this variant in disease. Therefore, it has been classified as a Variant of Uncertain Significance.